The following is an entry in ClinVar:

NM_016122.3(CEP83):c.934-1G>A

Gene: CEP83 (centrosomal protein 83; minus strand). Cytogenetic location: 12q22.
Variant type: single nucleotide variant.
Coding change: c.934-1G>A on transcript NM_016122.3 (MANE Select); the canonical splice acceptor site of the intron before coding-DNA position 934, G replaced by A.
Molecular consequence: splice acceptor variant.
Genome position (GRCh38, 1-based): chr12:94,370,037, C>T on the plus strand (G>A on the coding strand, the complement: CEP83 is on the minus strand). VCF-style: chr12-94370037-C-T. GRCh37 (hg19) VCF-style: chr12-94763813-C-T.
Other names: c.934-1G>A (NM_001346457.2, NM_001042399.2, NM_001368038.1 and 3 more transcripts); c.622-1G>A (NM_001346459.2, NM_001346458.2, NM_001368040.1 and 2 more transcripts); c.709-1G>A (NM_001368041.1); c.397-1G>A (NM_001368042.1).
Identifiers: ClinVar variation 4749496 (VCV004749496.1).

ClinVar aggregate classification (germline): Likely pathogenic (1 of 4 stars; one submission).

Conditions:
Nephronophthisis 18 (NPHP18). Identifiers: Orphanet 655, MedGen C3890591, MONDO:0014374, OMIM 615862.

Submission:

Labcorp Genetics (formerly Invitae), Labcorp
Classification: Likely pathogenic for Nephronophthisis 18. Last evaluated: 2025-12-15. Review status: criteria provided, single submitter. Criteria: Invitae Variant Classification Sherloc (09022015). Collection method: clinical testing. Allele origin: germline.
Comment: This sequence change affects an acceptor splice site in intron 8 of the CEP83 gene. It is expected to disrupt RNA splicing. Variants that disrupt the donor or acceptor splice site typically lead to a loss of protein function (PMID: 16199547), and loss-of-function variants in CEP83 are known to be pathogenic (PMID: 23530209, 24882706). This variant is not present in population databases (gnomAD no frequency). This variant has not been reported in the literature in individuals affected with CEP83-related conditions. Algorithms developed to predict the effect of sequence changes on RNA splicing suggest that this variant may disrupt the consensus splice site. In summary, the currently available evidence indicates that the variant is pathogenic, but additional data are needed to prove that conclusively. Therefore, this variant has been classified as Likely Pathogenic.

Literature cited by the submitters: PubMed 16199547; PubMed 23530209; PubMed 24882706.